The following is an entry in ClinVar:

ClinVar aggregate classification (germline): Uncertain significance (1 of 4 stars; one submission).

Submission:

GeneDx
Classification: Uncertain significance. Last evaluated: 2021-02-18. Review status: criteria provided, single submitter. Criteria: GeneDx Variant Classification Process June 2021. Collection method: clinical testing. Allele origin: germline. Affected: yes.
Comment: Not observed in large population cohorts (Lek et al., 2016); The majority of missense variants in this gene are considered pathogenic (Stenson et al., 2014); In silico analysis, which includes protein predictors and evolutionary conservation, supports a deleterious effect; Has not been previously published as pathogenic or benign to our knowledge

NM_001100.4(ACTA1):c.1030G>C (p.Gly344Arg)

Gene: ACTA1 (actin alpha 1, skeletal muscle; minus strand). Cytogenetic location: 1q42.13.
Variant type: single nucleotide variant.
Coding change: c.1030G>C on transcript NM_001100.4 (MANE Select); coding-DNA position 1030, G replaced by C.
Protein change: p.Gly344Arg; replaces glycine 344 with arginine.
Molecular consequence: missense variant.
Genome position (GRCh38, 1-based): chr1:229,431,603, C>G on the plus strand (G>C on the coding strand, the complement: ACTA1 is on the minus strand). VCF-style: chr1-229431603-C-G. GRCh37 (hg19) VCF-style: chr1-229567350-C-G.
Other names: short protein forms G344R.
Identifiers: ClinVar variation 1303501 (VCV001303501.2), dbSNP rs2102735049, ClinGen allele CA345144738.
Genomic context (GRCh38, chr1:229,431,603, plus strand): 5'-ACTCCTGCTTGGTGATCCACATCTGCTGGAAGGTGGACAGCGAGGCCAGGATGGAGCCGC[C>G]GATCCACACCGAGTATTTGCGCTCCGGCGGGGCGATGATCTGCAAGACAGCGCGTGAGGT-3'
Protein context (NP_001091.1, residues 334-354): PPERKYSVWI[Gly344Arg]GSILASLSTF